The following is an entry in ClinVar:

ClinVar aggregate classification (germline): Uncertain significance (1 of 4 stars; one submission).

Conditions:
Autosomal recessive limb-girdle muscular dystrophy type R18 (LGMDR18). Also called: Limb-girdle muscular dystrophy, type 2S; MUSCULAR DYSTROPHY, LIMB-GIRDLE, AUTOSOMAL RECESSIVE 18; Autosomal recessive limb-girdle muscular dystrophy type 2S. Identifiers: Orphanet 369840, MedGen C4517996, MONDO:0014144, OMIM 615356.

gnomAD v4.1: 1 of 1,613,810 alleles (0.000062%); highest among the groups gnomAD compares: South Asian, 0.0011%; no homozygotes.

Submission:

Diagnostics Services (NGS), CSIR - Centre For Cellular And Molecular Biology
Classification: Uncertain significance for Autosomal recessive limb-girdle muscular dystrophy type R18. Last evaluated: 2024-12-16. Review status: criteria provided, single submitter. Criteria: ACMG Guidelines, 2015. Collection method: clinical testing. Allele origin: germline. Affected: yes. Observed: 1 variant allele, 1 homozygote.
Comment: The c.158T>C variant is not present in publicly available population databases like 1000 Genomes, EVS, Indian Exome Database or our internal database. This variant is present in the gnomAD database at low frequencies. This variant has neither been reported in the literature in individuals affected with TRAPPC11-related conditions nor reported to the clinical databases like ClinVar, OMIM, or HGMD, in any affected individuals. In-silico pathogenicity prediction programs like SIFT, Polyphen-2, MutationTaster2, CADD, etc. predicted this variant to be likely deleterious, however these predictions were not confirmed by published functional studies.

NM_021942.6(TRAPPC11):c.158T>C (p.Phe53Ser)

Gene: TRAPPC11 (trafficking protein particle complex subunit 11; plus strand). Cytogenetic location: 4q35.1.
Variant type: single nucleotide variant.
Coding change: c.158T>C on transcript NM_021942.6 (MANE Select); coding-DNA position 158, T replaced by C.
Protein change: p.Phe53Ser; replaces phenylalanine 53 with serine.
Molecular consequence: missense variant.
Genome position (GRCh38, 1-based): chr4:183,664,025, T>C. VCF-style: chr4-183664025-T-C. GRCh37 (hg19) VCF-style: chr4-184585178-T-C.
Other names: c.158T>C, p.Phe53Ser (NM_199053.3); short protein forms F53S.
Identifiers: ClinVar variation 3767961 (VCV003767961.1).